The following is an entry in ClinVar:

ClinVar aggregate classification (germline): Uncertain significance (1 of 4 stars; one submission).

Conditions:
Oligodontia-cancer predisposition syndrome. Also called: TOOTH AGENESIS-COLORECTAL CANCER SYNDROME. Identifiers: Orphanet 300576, MedGen C1837750, MONDO:0012075, OMIM 608615. Disease mechanism: loss of function.

Submission:

Labcorp Genetics (formerly Invitae), Labcorp
Classification: Uncertain significance for Oligodontia-cancer predisposition syndrome. Last evaluated: 2025-03-04. Review status: criteria provided, single submitter. Criteria: Invitae Variant Classification Sherloc (09022015). Collection method: clinical testing. Allele origin: germline.
Comment: This sequence change replaces glutamic acid, which is acidic and polar, with aspartic acid, which is acidic and polar, at codon 820 of the AXIN2 protein (p.Glu820Asp). This variant is not present in population databases (gnomAD no frequency). This variant has not been reported in the literature in individuals affected with AXIN2-related conditions. Invitae Evidence Modeling of protein sequence and biophysical properties (such as structural, functional, and spatial information, amino acid conservation, physicochemical variation, residue mobility, and thermodynamic stability) indicates that this missense variant is expected to disrupt AXIN2 protein function with a positive predictive value of 80%. In summary, the available evidence is currently insufficient to determine the role of this variant in disease. Therefore, it has been classified as a Variant of Uncertain Significance.

NM_004655.4(AXIN2):c.2460G>C (p.Glu820Asp)

Gene: AXIN2 (axin 2; minus strand). Cytogenetic location: 17q24.1.
Variant type: single nucleotide variant.
Coding change: c.2460G>C on transcript NM_004655.4 (MANE Select); coding-DNA position 2460, G replaced by C.
Protein change: p.Glu820Asp; replaces glutamic acid 820 with aspartic acid.
Molecular consequence: missense variant.
Genome position (GRCh38, 1-based): chr17:65,530,048, C>G on the plus strand (G>C on the coding strand, the complement: AXIN2 is on the minus strand). VCF-style: chr17-65530048-C-G. GRCh37 (hg19) VCF-style: chr17-63526166-C-G.
Other names: c.2265G>C, p.Glu755Asp (NM_001363813.1); short protein forms E755D, E820D.
Identifiers: ClinVar variation 4773166 (VCV004773166.1).